The following is an entry in ClinVar:

ClinVar aggregate classification (germline): Benign/Likely benign. Review status: criteria provided, multiple submitters, no conflicts (2 of 4 stars). 3 submissions from 3 submitters: Benign (1); Likely benign (2). Last evaluated 2025-04-27.

Conditions:
Colorectal cancer, susceptibility to, 12 (CRCS12). Also called: COLORECTAL CANCER, SUSCEPTIBILITY TO, ON CHROMOSOME 12q24. Identifiers: Orphanet 220460, MedGen C3554460, MONDO:0014038, OMIM 615083.
Hereditary cancer-predisposing syndrome. Also called: Neoplastic Syndromes, Hereditary; Hereditary Cancer Syndrome; Tumor predisposition; Hereditary neoplastic syndrome. Identifiers: Orphanet 140162, MedGen C0027672, MeSH D009386, MONDO:0015356.

Allele frequency attached by ClinVar (database versions not stated): gnomAD exomes below 0.00001 and 0.00002; ExAC 0.00003.
gnomAD v4.1: 5 of 1,610,942 alleles (0.00031%); highest among the groups gnomAD compares: Non-Finnish European, 0.00042%; no homozygotes.

Submissions (3):

Labcorp Genetics (formerly Invitae), Labcorp
Classification: Likely benign. Last evaluated: 2025-04-27. Review status: criteria provided, single submitter. Criteria: Invitae Variant Classification Sherloc (09022015). Collection method: clinical testing. Allele origin: germline.

Myriad Genetics, Inc.
Classification: Benign for Colorectal cancer, susceptibility to, 12. Last evaluated: 2025-02-11. Review status: criteria provided, single submitter. Criteria: Myriad Autosomal Dominant, Autosomal Recessive and X-Linked Classification Criteria (2023). Collection method: clinical testing. Allele origin: unknown.
Comment: This variant is considered benign. This variant is a silent/synonymous amino acid change and it is not expected to impact splicing.

Ambry Genetics
Classification: Likely benign for Hereditary cancer-predisposing syndrome. Last evaluated: 2020-01-31. Review status: criteria provided, single submitter. Criteria: Ambry Variant Classification Scheme 2023. Collection method: clinical testing. Allele origin: germline.

NM_006231.4(POLE):c.1377T>G (p.Ser459=)

Gene: POLE (DNA polymerase epsilon, catalytic subunit; minus strand). Cytogenetic location: 12q24.33.
Variant type: single nucleotide variant.
Coding change: c.1377T>G on transcript NM_006231.4 (MANE Select); coding-DNA position 1377, T replaced by G.
Protein change: p.Ser459=; no amino-acid change (serine 459 retained).
Molecular consequence: synonymous variant.
Genome position (GRCh38, 1-based): chr12:132,673,260, A>C on the plus strand (T>G on the coding strand, the complement: POLE is on the minus strand). VCF-style: chr12-132673260-A-C. GRCh37 (hg19) VCF-style: chr12-133249846-A-C.
Identifiers: ClinVar variation 1530452 (VCV001530452.11), dbSNP rs759923098, ClinGen allele CA6893973.